The following is an entry in ClinVar:

NM_003924.4(PHOX2B):c.854A>G (p.Asp285Gly)

Gene: PHOX2B (paired like homeobox 2B; minus strand). Cytogenetic location: 4p13.
Variant type: single nucleotide variant.
Coding change: c.854A>G on transcript NM_003924.4 (MANE Select); coding-DNA position 854, A replaced by G.
Protein change: p.Asp285Gly; replaces aspartic acid 285 with glycine.
Molecular consequence: missense variant.
Genome position (GRCh38, 1-based): chr4:41,745,898, T>C on the plus strand (A>G on the coding strand, the complement: PHOX2B is on the minus strand). VCF-style: chr4-41745898-T-C. GRCh37 (hg19) VCF-style: chr4-41747915-T-C.
Other names: short protein forms D285G.
Identifiers: ClinVar variation 3931858 (VCV003931858.1).
Genomic context (GRCh38, chr4:41,745,898, plus strand): 5'-TTGGCACCGTTGGGTCTTTGGAGCGAAGATAGGACGCTGGCGAAGGGACCCCCAAGCGAA[T>C]CCGGGATGGAGGTGATGGGGCCGGGGCCGGGAGCCCAGCCTTGTCCAGGGCCCCCAGCCG-3'
Protein context (NP_003915.2, residues 275-295): PGPGPITSIP[Asp285Gly]SLGGPFASVL

ClinVar aggregate classification (germline): Uncertain significance (1 of 4 stars; one submission).

Conditions:
Hereditary cancer-predisposing syndrome. Also called: Tumor predisposition; Hereditary neoplastic syndrome; Hereditary Cancer Syndrome; Neoplastic Syndromes, Hereditary. Identifiers: Orphanet 140162, MedGen C0027672, MeSH D009386, MONDO:0015356.

Submission:

Ambry Genetics
Classification: Uncertain significance for Hereditary cancer-predisposing syndrome. Last evaluated: 2025-05-18. Review status: criteria provided, single submitter. Criteria: Ambry Variant Classification Scheme 2023. Collection method: clinical testing. Allele origin: germline.
Comment: The p.D285G variant (also known as c.854A>G), located in coding exon 3 of the PHOX2B gene, results from an A to G substitution at nucleotide position 854. The aspartic acid at codon 285 is replaced by glycine, an amino acid with similar properties. This amino acid position is conserved. In addition, the in silico prediction for this alteration is inconclusive. Based on the available evidence, the clinical significance of this variant remains unclear.